The following is an entry in ClinVar:

NM_002819.5(PTBP1):c.595_606+15del

Gene: PTBP1 (polypyrimidine tract binding protein 1; plus strand). Cytogenetic location: 19p13.3.
Variant type: Deletion.
Coding change: c.595_606+15del on transcript NM_002819.5 (MANE Select); coding-DNA position 595 through 15 bases into the intron after coding-DNA position 606, 27 bases deleted (GTGCTGCACCAGGTGAGGTGGTCCCAT).
Molecular consequence: splice donor variant.
Genome position (GRCh38, 1-based): chr19:804,691-804,717, GTGCTGCACCAGGTGAGGTGGTCCCAT deleted; deleting any 27 consecutive bases within chr19:804,689-804,717 gives the same sequence; the c. name uses the placement nearest the transcript's 3' end. VCF-style (leftmost placement, unchanged base first): chr19-804688-GATGTGCTGCACCAGGTGAGGTGGTCCC-G. GRCh37 (hg19) VCF-style: chr19-804688-GATGTGCTGCACCAGGTGAGGTGGTCCC-G.
Other names: c.595_606+15del (NM_031990.4, NM_031991.4); c.601_612+15del (NM_001411140.1).
Identifiers: ClinVar variation 4975489 (VCV004975489.1).

ClinVar aggregate classification (germline): Uncertain significance (1 of 4 stars; one submission).

Submission:

GeneDx
Classification: Uncertain significance. Last evaluated: 2026-01-22. Review status: criteria provided, single submitter. Criteria: GeneDx Variant Classification Process June 2021. Collection method: clinical testing. Allele origin: germline.
Comment: Not observed at significant frequency in large population cohorts (gnomAD); Canonical splice site variant with an unclear effect on protein function; Has not been previously published as pathogenic or benign to our knowledge